The following is an entry in ClinVar:

ClinVar aggregate classification (germline): Uncertain significance (1 of 4 stars; one submission).

Conditions:
Neurofibromatosis, type 1 (NF1). Also called: VON RECKLINGHAUSEN DISEASE; Neurofibromatosis, type I; NEUROFIBROMATOSIS, TYPE I, SOMATIC; Peripheral type neurofibromatosis. Identifiers: Orphanet 636, MedGen C0027831, MONDO:0018975, OMIM 162200. Disease mechanism: loss of function.

Submission:

Labcorp Genetics (formerly Invitae), Labcorp
Classification: Uncertain significance for Neurofibromatosis, type 1. Last evaluated: 2025-07-15. Review status: criteria provided, single submitter. Criteria: Invitae Variant Classification Sherloc (09022015). Collection method: clinical testing. Allele origin: germline.
Comment: This sequence change replaces glutamic acid, which is acidic and polar, with aspartic acid, which is acidic and polar, at codon 1264 of the NF1 protein (p.Glu1264Asp). This variant is not present in population databases (gnomAD no frequency). This variant has not been reported in the literature in individuals affected with NF1-related conditions. Invitae Evidence Modeling of protein sequence and biophysical properties (such as structural, functional, and spatial information, amino acid conservation, physicochemical variation, residue mobility, and thermodynamic stability) indicates that this missense variant is expected to disrupt NF1 protein function with a positive predictive value of 80%. This variant disrupts the p.Glu1264 amino acid residue in NF1. Other variant(s) that disrupt this residue have been determined to be pathogenic (internal data). This suggests that this residue is clinically significant, and that variants that disrupt this residue are likely to be disease-causing. In summary, the available evidence is currently insufficient to determine the role of this variant in disease. Therefore, it has been classified as a Variant of Uncertain Significance.

NM_001042492.3(NF1):c.3792A>C (p.Glu1264Asp)

Gene: NF1 (neurofibromin 1; plus strand). Cytogenetic location: 17q11.2.
Variant type: single nucleotide variant.
Coding change: c.3792A>C on transcript NM_001042492.3 (MANE Select); coding-DNA position 3792, A replaced by C.
Protein change: p.Glu1264Asp; replaces glutamic acid 1264 with aspartic acid.
Molecular consequence: missense variant.
Genome position (GRCh38, 1-based): chr17:31,235,694, A>C. VCF-style: chr17-31235694-A-C. GRCh37 (hg19) VCF-style: chr17-29562712-A-C.
Other names: c.3792A>C, p.Glu1264Asp (NM_000267.4); short protein forms E1264D.
Identifiers: ClinVar variation 4800759 (VCV004800759.1).